The following is an entry in ClinVar:

NM_014704.4(CEP104):c.1877G>A (p.Arg626His)

Genes: CEP104 (centrosomal protein 104; minus strand), LOC126805586 (CDK7 strongly-dependent group 2 enhancer GRCh37_chr1:3745882-3747081; plus strand). Cytogenetic location: 1p36.32.
Variant type: single nucleotide variant.
Coding change: c.1877G>A on transcript NM_014704.4 (MANE Select); coding-DNA position 1877, G replaced by A.
Protein change: p.Arg626His; replaces arginine 626 with histidine.
Molecular consequence: missense variant.
Genome position (GRCh38, 1-based): chr1:3,829,957, C>T on the plus strand (G>A on the coding strand, the complement: CEP104 is on the minus strand). VCF-style: chr1-3829957-C-T. GRCh37 (hg19) VCF-style: chr1-3746521-C-T.
Other names: short protein forms R626H.
Identifiers: ClinVar variation 2174475 (VCV002174475.3), dbSNP rs769355737, ClinGen allele CA551482.
Genomic context (GRCh38, chr1:3,829,957, plus strand): 5'-TCCAGGATGGAAGCCTGGTGCTGTCTGTACATGTCCAAAATAATTCGAACCGCCGTCTCG[C>T]GGACCTCATACACTCTATGCTCCAGGGCACTCACTGAAAACTAAAGTTGGGAGGGGCTCT-3'
Protein context (NP_055519.1, residues 616-636): SALEHRVYEV[Arg626His]ETAVRIILDM

ClinVar aggregate classification (germline): Uncertain significance (1 of 4 stars; one submission).

Conditions:
Joubert syndrome 25 (JBTS25). Identifiers: Orphanet 475, MedGen C4084842, MONDO:0014770, OMIM 616781.

Allele frequency attached by ClinVar (database versions not stated): gnomAD 0.00002; TOPMed 0.00002; gnomAD exomes 0.00003; ExAC 0.00004; 1000 Genomes Project 30x 0.00016.
gnomAD v4.1: 47 of 1,614,162 alleles (0.0029%); highest among the groups gnomAD compares: Middle Eastern, 0.049%; no homozygotes.

Submission:

Labcorp Genetics (formerly Invitae), Labcorp
Classification: Uncertain significance for Joubert syndrome 25. Last evaluated: 2022-06-28. Review status: criteria provided, single submitter. Criteria: Invitae Variant Classification Sherloc (09022015). Collection method: clinical testing. Allele origin: germline.
Comment: This sequence change replaces arginine, which is basic and polar, with histidine, which is basic and polar, at codon 626 of the CEP104 protein (p.Arg626His). In summary, the available evidence is currently insufficient to determine the role of this variant in disease. Therefore, it has been classified as a Variant of Uncertain Significance. Algorithms developed to predict the effect of missense changes on protein structure and function (SIFT, PolyPhen-2, Align-GVGD) all suggest that this variant is likely to be disruptive. This variant has not been reported in the literature in individuals affected with CEP104-related conditions. This variant is present in population databases (rs769355737, gnomAD 0.02%).